The following is an entry in ClinVar:

ClinVar aggregate classification (germline): Uncertain significance (1 of 4 stars; one submission).

Conditions:
Nephronophthisis 13 (NPHP13). Identifiers: Orphanet 655, MedGen C3280612, MONDO:0013718, OMIM 614377.

Allele frequency attached by ClinVar (database versions not stated): gnomAD exomes below 0.00001.
gnomAD v4.1: 1 of 1,613,938 alleles (0.000062%); no homozygotes.

Submission:

Precision Medicine Center, Zhengzhou University
Classification: Uncertain significance for Nephronophthisis 13. Last evaluated: 2023-12-01. Review status: criteria provided, single submitter. Criteria: ACMG Guidelines, 2015. Collection method: clinical testing. Allele origin: maternal. Affected: no.
Comment: PM2_p,PP3

NM_025132.4(WDR19):c.2489G>A (p.Gly830Glu)

Gene: WDR19 (WD repeat domain 19; plus strand). Cytogenetic location: 4p14.
Variant type: single nucleotide variant.
Coding change: c.2489G>A on transcript NM_025132.4 (MANE Select); coding-DNA position 2489, G replaced by A.
Protein change: p.Gly830Glu; replaces glycine 830 with glutamic acid.
Molecular consequence: missense variant.
Genome position (GRCh38, 1-based): chr4:39,244,315, G>A. VCF-style: chr4-39244315-G-A. GRCh37 (hg19) VCF-style: chr4-39245935-G-A.
Other names: c.2009G>A, p.Gly670Glu (NM_001317924.2); short protein forms G670E, G830E.
Identifiers: ClinVar variation 2681774 (VCV002681774.2), dbSNP rs1399293853.
Genomic context (GRCh38, chr4:39,244,315, plus strand): 5'-ATGAAGCTTGTCTGGCTGGAGTGGCCCAGATGTCCATAAGAATGGGAGACATACGTCGAG[G>A]GGTTAACCAAGCCCTCAAGCATCCCAGCAGGGTCCTTAAAAGAGACTGTGGAGCCATATT-3'
Protein context (NP_079408.3, residues 820-840): MSIRMGDIRR[Gly830Glu]VNQALKHPSR